The following is an entry in ClinVar:

NM_022367.4(SEMA4A):c.1196A>C (p.Asp399Ala)

Gene: SEMA4A (semaphorin 4A; plus strand). Cytogenetic location: 1q22.
Variant type: single nucleotide variant.
Coding change: c.1196A>C on transcript NM_022367.4 (MANE Select); coding-DNA position 1196, A replaced by C.
Protein change: p.Asp399Ala; replaces aspartic acid 399 with alanine.
Molecular consequence: missense variant.
Genome position (GRCh38, 1-based): chr1:156,172,887, A>C. VCF-style: chr1-156172887-A-C. GRCh37 (hg19) VCF-style: chr1-156142678-A-C.
Other names: c.1196A>C, p.Asp399Ala (NM_001193300.2, NM_001193301.2, NM_001370567.1); c.800A>C, p.Asp267Ala (NM_001193302.2); c.899A>C, p.Asp300Ala (NM_001370568.1); c.689A>C, p.Asp230Ala (NM_001370569.1, NM_001370571.1); short protein forms D230A, D267A, D300A, D399A.
Identifiers: ClinVar variation 966993 (VCV000966993.10), dbSNP rs727504147, ClinGen allele CA1155299.

ClinVar aggregate classification (germline): Uncertain significance. Review status: criteria provided, multiple submitters, no conflicts (2 of 4 stars). 2 submissions from 2 submitters: Uncertain significance (2). Last evaluated 2025-06-09.

Allele frequency attached by ClinVar (database versions not stated): ExAC 0.00001; gnomAD exomes 0.00001; TOPMed 0.00002; gnomAD 0.00003.

Submissions (2):

Labcorp Genetics (formerly Invitae), Labcorp
Classification: Uncertain significance. Last evaluated: 2025-06-09. Review status: criteria provided, single submitter. Criteria: Invitae Variant Classification Sherloc (09022015). Collection method: clinical testing. Allele origin: germline.
Comment: This sequence change replaces aspartic acid, which is acidic and polar, with alanine, which is neutral and non-polar, at codon 399 of the SEMA4A protein (p.Asp399Ala). This variant is present in population databases (rs727504147, gnomAD 0.002%). This variant has not been reported in the literature in individuals affected with SEMA4A-related conditions. ClinVar contains an entry for this variant (Variation ID: 966993). Invitae Evidence Modeling of protein sequence and biophysical properties (such as structural, functional, and spatial information, amino acid conservation, physicochemical variation, residue mobility, and thermodynamic stability) indicates that this missense variant is not expected to disrupt SEMA4A protein function with a negative predictive value of 80%. In summary, the available evidence is currently insufficient to determine the role of this variant in disease. Therefore, it has been classified as a Variant of Uncertain Significance.

Blueprint Genetics
Classification: Uncertain significance. Last evaluated: 2019-06-20. Review status: criteria provided, single submitter. Criteria: ACMG Guidelines, 2015. Collection method: clinical testing. Allele origin: germline.